The following is an entry in ClinVar:

NM_004183.4(BEST1):c.1535G>A (p.Ser512Asn)

Gene: BEST1 (bestrophin 1; plus strand). Cytogenetic location: 11q12.3.
Variant type: single nucleotide variant.
Coding change: c.1535G>A on transcript NM_004183.4 (MANE Select); coding-DNA position 1535, G replaced by A.
Protein change: p.Ser512Asn; replaces serine 512 with asparagine.
Molecular consequence: missense variant. On other transcripts: non-coding transcript variant (1).
Genome position (GRCh38, 1-based): chr11:61,962,689, G>A. VCF-style: chr11-61962689-G-A. GRCh37 (hg19) VCF-style: chr11-61730161-G-A.
Other names: c.1355G>A, p.Ser452Asn (NM_001139443.3, NM_001300787.2); c.1274G>A, p.Ser425Asn (NM_001300786.2); c.1217G>A, p.Ser406Asn (NM_001363591.3); c.*430G>A (NM_001363592.2); c.563G>A, p.Ser188Asn (NM_001363593.3); short protein forms S406N, S188N, S425N, S452N, S512N.
Identifiers: ClinVar variation 959053 (VCV000959053.9), dbSNP rs775584943, ClinGen allele CA380849448.
Genomic context (GRCh38, chr11:61,962,689, plus strand): 5'-TCACAGGCATAGACACCAAAGACAAAAGCTTAAAGACTGTGAGTTCTGGGGCCAAGAAAA[G>A]TTTTGAATTGCTCTCAGAGAGCGATGGGGCCTTGATGGAGCACCCAGAAGTATCTCAAGT-3'
Protein context (NP_004174.1, residues 502-522): LKTVSSGAKK[Ser512Asn]FELLSESDGA

ClinVar aggregate classification (germline): Uncertain significance (1 of 4 stars; one submission).

Allele frequency attached by ClinVar (database versions not stated): TOPMed below 0.00001; gnomAD 0.00001.
gnomAD v4.1: 1 of 1,614,112 alleles (0.000062%); highest among the groups gnomAD compares: Non-Finnish European, 0.000085%; no homozygotes.

Submission:

Labcorp Genetics (formerly Invitae), Labcorp
Classification: Uncertain significance. Last evaluated: 2024-09-16. Review status: criteria provided, single submitter. Criteria: Invitae Variant Classification Sherloc (09022015). Collection method: clinical testing. Allele origin: germline.
Comment: This sequence change replaces serine, which is neutral and polar, with asparagine, which is neutral and polar, at codon 512 of the BEST1 protein (p.Ser512Asn). This variant is not present in population databases (gnomAD no frequency). This variant has not been reported in the literature in individuals affected with BEST1-related conditions. ClinVar contains an entry for this variant (Variation ID: 959053). Invitae Evidence Modeling of protein sequence and biophysical properties (such as structural, functional, and spatial information, amino acid conservation, physicochemical variation, residue mobility, and thermodynamic stability) has been performed for this missense variant. However, the output from this modeling did not meet the statistical confidence thresholds required to predict the impact of this variant on BEST1 protein function. In summary, the available evidence is currently insufficient to determine the role of this variant in disease. Therefore, it has been classified as a Variant of Uncertain Significance.